The following is an entry in ClinVar:

ClinVar aggregate classification (germline): Uncertain significance (1 of 4 stars; one submission).

Conditions:
Severe combined immunodeficiency, autosomal recessive, T cell-negative, B cell-negative, NK cell-positive. Also called: Severe combined immunodeficiency due to complete RAG1/2 deficiency; SCID, T CELL-NEGATIVE, B CELL-NEGATIVE, NK CELL-POSITIVE; SCID, AR, T-cell negative, B-cell negative, NK cell-positive. Identifiers: Orphanet 331206, MedGen C1832322, MONDO:0011086, OMIM 601457.
Combined immunodeficiency with skin granulomas. Identifiers: Orphanet 157949, MedGen C2673536, MONDO:0009306, OMIM 233650.

Allele frequency attached by ClinVar (database versions not stated): gnomAD exomes below 0.00001; ExAC 0.00001.
gnomAD v4.1: 2 of 1,614,058 alleles (0.00012%); highest among the groups gnomAD compares: Non-Finnish European, 0.00017%; no homozygotes.

Submission:

Labcorp Genetics (formerly Invitae), Labcorp
Classification: Uncertain significance for Combined immunodeficiency with skin granulomas; Severe combined immunodeficiency, autosomal recessive, T cell-negative, B cell-negative, NK cell-positive. Last evaluated: 2022-06-25. Review status: criteria provided, single submitter. Criteria: Invitae Variant Classification Sherloc (09022015). Collection method: clinical testing. Allele origin: germline.
Comment: This sequence change replaces proline, which is neutral and non-polar, with leucine, which is neutral and non-polar, at codon 377 of the RAG2 protein (p.Pro377Leu). This variant is present in population databases (rs749683351, gnomAD 0.0009%). This variant has not been reported in the literature in individuals affected with RAG2-related conditions. Advanced modeling of protein sequence and biophysical properties (such as structural, functional, and spatial information, amino acid conservation, physicochemical variation, residue mobility, and thermodynamic stability) performed at Invitae indicates that this missense variant is expected to disrupt RAG2 protein function. In summary, the available evidence is currently insufficient to determine the role of this variant in disease. Therefore, it has been classified as a Variant of Uncertain Significance.

NM_000536.4(RAG2):c.1130C>T (p.Pro377Leu)

Gene: RAG2 (recombination activating 2; minus strand). Cytogenetic location: 11p12.
Variant type: single nucleotide variant.
Coding change: c.1130C>T on transcript NM_000536.4 (MANE Select); coding-DNA position 1130, C replaced by T.
Protein change: p.Pro377Leu; replaces proline 377 with leucine.
Molecular consequence: missense variant.
Genome position (GRCh38, 1-based): chr11:36,593,039, G>A on the plus strand (C>T on the coding strand, the complement: RAG2 is on the minus strand). VCF-style: chr11-36593039-G-A. GRCh37 (hg19) VCF-style: chr11-36614589-G-A.
Other names: c.1130C>T, p.Pro377Leu (NM_001243785.2, NM_001243786.2); short protein forms P377L.
Identifiers: ClinVar variation 1936785 (VCV001936785.2), dbSNP rs749683351, ClinGen allele CA5950468.